The following is an entry in ClinVar:

NM_174936.4(PCSK9):c.753C>T (p.Arg251=)

Gene: PCSK9 (proprotein convertase subtilisin/kexin type 9; plus strand). Cytogenetic location: 1p32.3.
Variant type: single nucleotide variant.
Coding change: c.753C>T on transcript NM_174936.4 (MANE Select); coding-DNA position 753, C replaced by T.
Protein change: p.Arg251=; no amino-acid change (arginine 251 retained).
Molecular consequence: synonymous variant. On other transcripts: non-coding transcript variant (8).
Genome position (GRCh38, 1-based): chr1:55,052,745, C>T. VCF-style: chr1-55052745-C-T. GRCh37 (hg19) VCF-style: chr1-55518418-C-T.
Other names: p.Arg251=; c.876C>T, p.Arg292= (NM_001407240.1); c.753C>T, p.Arg251= (NM_001407241.1, NM_001407244.1, NM_001407247.1); c.756C>T, p.Arg252= (NM_001407242.1); c.696C>T, p.Arg232= (NM_001407243.1); c.561C>T, p.Arg187= (NM_001407245.1); c.378C>T, p.Arg126= (NM_001407246.1).
Identifiers: ClinVar variation 262907 (VCV000262907.38), dbSNP rs28385710, ClinGen allele CA044319.

ClinVar aggregate classification (germline): Conflicting classifications of pathogenicity. Review status: criteria provided, conflicting classifications (1 of 4 stars). 18 submissions from 17 submitters: Uncertain significance (1); Benign (11); Likely benign (4). 2 of the submissions do not count toward it. Last evaluated 2026-02-02.

Conditions:
Cardiovascular phenotype. Identifiers: MedGen CN230736.
Hypobetalipoproteinemia. Identifiers: Orphanet 31154, MedGen C0020597, MONDO:0017774.
Familial hypercholesterolemia. Also called: Familial hypercholesterolemias; Familial hypercholesterolaemia. Identifiers: MedGen C0020445, MONDO:0005439.
Hypercholesterolemia, autosomal dominant, 3 (FHCL3). Also called: Familial Hypercholesterolemia, Autosomal Dominant, 3; Familial hypercholesterolemia 3; PCSK9-Related Familial Hypercholesterolemia, Autosomal Dominant. Identifiers: MedGen C1863551, MONDO:0011369, OMIM 603776.
Hypercholesterolemia, familial, 1. Also called: HYPERCHOLESTEROLEMIA, FAMILIAL, MODIFIER OF; LDL RECEPTOR DISORDER; Hyperlipoproteinemia Type IIa; HYPER-LOW-DENSITY-LIPOPROTEINEMIA; HYPERCHOLESTEROLEMIC XANTHOMATOSIS, FAMILIAL; Fredrickson type IIa hyperlipoproteinemia. Identifiers: Orphanet 391665, MedGen C0745103, MONDO:0007750, OMIM 143890.

Allele frequency attached by ClinVar (database versions not stated): ESP Exome Variant Server 0.00192; gnomAD 0.00219 and 0.00281; TOPMed 0.00271; gnomAD exomes 0.00378; ExAC 0.00410; 1000 Genomes Project 30x 0.00593; 1000 Genomes Project 0.00639.
gnomAD v4.1: 5,178 of 1,613,204 alleles (0.32%); highest among the groups gnomAD compares: South Asian, 1.8%; 32 homozygotes.

Submissions (18):

Labcorp Genetics (formerly Invitae), Labcorp
Classification: Benign for Hypercholesterolemia, autosomal dominant, 3. Last evaluated: 2026-02-02. Review status: criteria provided, single submitter. Criteria: Invitae Variant Classification Sherloc (09022015). Collection method: clinical testing. Allele origin: germline.

ARUP Laboratories, Molecular Genetics and Genomics, ARUP Laboratories
Classification: Benign. Last evaluated: 2025-07-03. Review status: criteria provided, single submitter. Criteria: ARUP Molecular Germline Variant Investigation Process 2024. Collection method: clinical testing. Allele origin: germline.

Molecular Diagnostic Laboratory for Inherited Cardiovascular Disease, Montreal Heart Institute
Classification: Benign. Last evaluated: 2025-04-09. Review status: criteria provided, single submitter. Criteria: ACMG Guidelines, 2015. Collection method: clinical testing. Allele origin: germline. Affected: no.

Blueprint Genetics
Classification: Likely benign. Last evaluated: 2024-11-26. Review status: criteria provided, single submitter. Criteria: ACMG Guidelines, 2015. Collection method: clinical testing. Allele origin: germline.

Mayo Clinic Laboratories, Mayo Clinic
Classification: Benign. Last evaluated: 2024-06-25. Review status: criteria provided, single submitter. Criteria: ACMG Guidelines, 2015. Collection method: clinical testing. Allele origin: germline. Observed: 5 variant alleles.
Comment: BS1, BS2

All of Us Research Program, National Institutes of Health
Classification: Benign for Hypercholesterolemia, autosomal dominant, 3. Last evaluated: 2024-02-05. Review status: criteria provided, single submitter. Criteria: ACMG Guidelines, 2015. Collection method: clinical testing. Allele origin: germline. Inheritance: Autosomal dominant inheritance. Observed: 556 variant alleles, 555 heterozygotes, 1 homozygote.
Comment: This study involves interpretation of variants in research participants for the purpose of population health screening. Participant phenotype was not available at the time of variant classification. Additional details can be found in publication PMID: 35346344, PMCID: PMC8962531

Quest Diagnostics Nichols Institute San Juan Capistrano
Classification: Benign. Last evaluated: 2023-04-11. Review status: criteria provided, single submitter. Criteria: Quest Diagnostics criteria. Collection method: clinical testing. Allele origin: unknown.

GENinCode PLC
Classification: Benign for Familial hypercholesterolemia. Last evaluated: 2022-09-07. Review status: criteria provided, single submitter. Criteria: ACMG Guidelines, 2015. Collection method: clinical testing. Allele origin: germline.

GeneDx
Classification: Benign. Last evaluated: 2019-07-16. Review status: criteria provided, single submitter. Criteria: GeneDx Variant Classification Process June 2021. Collection method: clinical testing. Allele origin: germline. Affected: yes.

Illumina Laboratory Services, Illumina
Classification: Likely benign for Hypobetalipoproteinemia. Last evaluated: 2018-01-13. Review status: criteria provided, single submitter. Criteria: ICSL Variant Classification Criteria 13 December 2019. Collection method: clinical testing. Allele origin: germline.
Comment: This variant was observed in the ICSL laboratory as part of a predisposition screen in an ostensibly healthy population. It had not been previously curated by ICSL or reported in the Human Gene Mutation Database (HGMD: prior to June 1st, 2018), and was therefore a candidate for classification through an automated scoring system. Utilizing variant allele frequency, disease prevalence and penetrance estimates, and inheritance mode, an automated score was calculated to assess if this variant is too frequent to cause the disease. Based on the score and internal cut-off values, a variant classified as likely benign is not then subjected to further curation. The score for this variant resulted in a classification of likely benign for this disease.

Illumina Laboratory Services, Illumina
Classification: Likely benign for Hypercholesterolemia, autosomal dominant, 3. Last evaluated: 2018-01-13. Review status: criteria provided, single submitter. Criteria: ICSL Variant Classification Criteria 13 December 2019. Collection method: clinical testing. Allele origin: germline.
Comment: the same text as in the submission from Illumina Laboratory Services, Illumina above.

Robarts Research Institute, Western University
Classification: Benign for Hypercholesterolemia, familial, 1. Last evaluated: 2018-01-02. Review status: criteria provided, single submitter. Criteria: ACMG Guidelines, 2015. Collection method: clinical testing. Allele origin: germline. Inheritance: Autosomal dominant inheritance. Affected: yes.

Color Diagnostics, LLC DBA Color Health
Classification: Benign for Familial hypercholesterolemia. Last evaluated: 2017-07-24. Review status: criteria provided, single submitter. Criteria: ACMG Guidelines, 2015. Collection method: clinical testing. Allele origin: germline.

Ambry Genetics
Classification: Benign for Cardiovascular phenotype. Last evaluated: 2016-08-12. Review status: criteria provided, single submitter. Criteria: Ambry Variant Classification Scheme 2023. Collection method: clinical testing. Allele origin: germline.

Cardiovascular Research Group, Instituto Nacional de Saude Doutor Ricardo Jorge
Classification: Uncertain significance for Familial hypercholesterolemia. Last evaluated: 2016-03-01. Review status: criteria provided, single submitter. Criteria: ACMG Guidelines, 2015. Collection method: research. Allele origin: germline. Affected: yes.

PreventionGenetics, part of Exact Sciences
Classification: Likely benign. Review status: criteria provided, single submitter. Criteria: ACMG Guidelines, 2015. Collection method: clinical testing. Allele origin: germline.

Clinical Genetics, Academic Medical Center
Classification: Benign. Review status: no assertion criteria provided. Collection method: clinical testing. Allele origin: germline. Affected: yes. Study: VKGL Data-share Consensus. Not counted in ClinVar's aggregate classification.

Diagnostic Laboratory, Department of Genetics, University Medical Center Groningen
Classification: Likely benign for Hypercholesterolemia, autosomal dominant, 3. Review status: no assertion criteria provided. Collection method: clinical testing. Allele origin: germline. Affected: yes. Study: VKGL Data-share Consensus. Not counted in ClinVar's aggregate classification.

Literature cited by the submitters: PubMed 22095935 (cited by Quest Diagnostics Nichols Institute San Juan Capistrano); PubMed 25904937 (cited by Quest Diagnostics Nichols Institute San Juan Capistrano).